The following is an entry in ClinVar:

NM_000090.4(COL3A1):c.1746T>C (p.Gly582=)

Gene: COL3A1 (collagen type III alpha 1 chain; plus strand). Cytogenetic location: 2q32.2.
Variant type: single nucleotide variant.
Coding change: c.1746T>C on transcript NM_000090.4 (MANE Select); coding-DNA position 1746, T replaced by C.
Protein change: p.Gly582=; no amino-acid change (glycine 582 retained).
Molecular consequence: synonymous variant.
Genome position (GRCh38, 1-based): chr2:188,996,481, T>C. VCF-style: chr2-188996481-T-C. GRCh37 (hg19) VCF-style: chr2-189861207-T-C.
Identifiers: ClinVar variation 926823 (VCV000926823.12), dbSNP rs1373257114, ClinGen allele CA430309866.
Genomic context (GRCh38, chr2:188,996,481, plus strand): 5'-ACCAGGTCCTCCTGGGCCATCTGGTCCCCGAGGTCAGCCTGGTGTCATGGGCTTCCCCGG[T>C]CCTAAAGGAAATGATGTGAGTTCCTTCATTAATTTCTTCAATAAATATTTGACTGGAAGG-3'
Protein context (NP_000081.2, residues 572-592): RGQPGVMGFP[Gly582=]PKGNDGAPGK

ClinVar aggregate classification (germline): Likely benign. Review status: criteria provided, multiple submitters, no conflicts (2 of 4 stars). 3 submissions from 3 submitters: Likely benign (3). Last evaluated 2023-11-05.

Conditions:
Familial thoracic aortic aneurysm and aortic dissection (TAAD). Also called: Thoracic aortic aneurysms and dissections. Identifiers: Orphanet 91387, MedGen C4707243, MONDO:0019625.
Ehlers-Danlos syndrome, type 4 (EDSVASC). Also called: Ehlers-Danlos syndrome vascular type; Ehlers Danlos syndrome, ecchymotic type; Ehlers Danlos syndrome, arterial type; Ehlers Danlos syndrome, Sack-Barabas type; Ehlers-Danlos Syndrome Type IV. Identifiers: Orphanet 286, MedGen C0268338, MONDO:0017314, OMIM 130050.

Allele frequency attached by ClinVar (database versions not stated): gnomAD exomes below 0.00001; TOPMed 0.00001; gnomAD 0.00002.
gnomAD v4.1: 4 of 1,613,642 alleles (0.00025%); highest among the groups gnomAD compares: Admixed American, 0.005%; no homozygotes.

Submissions (3):

Labcorp Genetics (formerly Invitae), Labcorp
Classification: Likely benign for Ehlers-Danlos syndrome, type 4. Last evaluated: 2023-11-05. Review status: criteria provided, single submitter. Criteria: Invitae Variant Classification Sherloc (09022015). Collection method: clinical testing. Allele origin: germline.

All of Us Research Program, National Institutes of Health
Classification: Likely benign for Ehlers-Danlos syndrome, type 4. Last evaluated: 2023-11-02. Review status: criteria provided, single submitter. Criteria: ACMG Guidelines, 2015. Collection method: clinical testing. Allele origin: germline. Inheritance: Autosomal dominant inheritance. Observed: 1 variant allele, 1 heterozygote.
Comment: This study involves interpretation of variants in research participants for the purpose of population health screening. Participant phenotype was not available at the time of variant classification. Additional details can be found in publication PMID: 35346344, PMCID: PMC8962531

Color Diagnostics, LLC DBA Color Health
Classification: Likely benign for Familial thoracic aortic aneurysm and aortic dissection. Last evaluated: 2020-01-10. Review status: criteria provided, single submitter. Criteria: ACMG Guidelines, 2015. Collection method: clinical testing. Allele origin: germline.